The following is an entry in ClinVar:

NM_015634.4(KIFBP):c.599C>A (p.Ser200Ter)

Gene: KIFBP (kinesin family binding protein; plus strand). Cytogenetic location: 10q22.1.
Variant type: single nucleotide variant.
Coding change: c.599C>A on transcript NM_015634.4 (MANE Select); coding-DNA position 599, C replaced by A.
Protein change: p.Ser200Ter; replaces serine 200 with a stop codon.
Molecular consequence: nonsense.
Genome position (GRCh38, 1-based): chr10:69,005,119, C>A. VCF-style: chr10-69005119-C-A. GRCh37 (hg19) VCF-style: chr10-70764875-C-A.
Other names: NM_015634.4(KIFBP):c.599C>A; p.Ser200Ter; short protein forms S200*.
Identifiers: ClinVar variation 183145 (VCV000183145.15), dbSNP rs730882150, ClinGen allele CA273767.
Genomic context (GRCh38, chr10:69,005,119, plus strand): 5'-CTCTTGATCCTACTGAGCGTTTTCTTCCTGAAGAAGAGAAACTTACTGAACAAGAGAGAT[C>A]AAAAAGGTGAGTAGGTATAGAAATCAGCCCTTGCAAATATTTCCACATATCATAGATTAG-3'

ClinVar aggregate classification (germline): Pathogenic. Review status: criteria provided, multiple submitters, no conflicts (2 of 4 stars). 9 submissions from 9 submitters: Pathogenic (8). 1 of the submissions does not count toward it. Last evaluated 2025-06-17.

Conditions:
KIF1BP-related disorders.
Goldberg-Shprintzen syndrome. Identifiers: Orphanet 66629, MedGen C1836123, MONDO:0012280, OMIM 609460.

Allele frequency attached by ClinVar (database versions not stated): ExAC 0.00002; gnomAD exomes 0.00003 and 0.00008; gnomAD 0.00005 and 0.00006; TOPMed 0.00006.
gnomAD v4.1: 120 of 1,608,124 alleles (0.0075%); highest among the groups gnomAD compares: Non-Finnish European, 0.0095%; no homozygotes.

Submissions (9):

Labcorp Genetics (formerly Invitae), Labcorp
Classification: Pathogenic. Last evaluated: 2025-06-17. Review status: criteria provided, single submitter. Criteria: Invitae Variant Classification Sherloc (09022015). Collection method: clinical testing. Allele origin: germline.
Comment: This sequence change creates a premature translational stop signal (p.Ser200*) in the KIF1BP gene. It is expected to result in an absent or disrupted protein product. Loss-of-function variants in KIF1BP are known to be pathogenic (PMID: 15883926, 23427148). This variant is present in population databases (rs730882150, gnomAD 0.006%). This premature translational stop signal has been observed in individual(s) with Goldberg–Shprintzen syndrome (PMID: 23427148). ClinVar contains an entry for this variant (Variation ID: 183145). For these reasons, this variant has been classified as Pathogenic.

Blueprint Genetics
Classification: Pathogenic for KIF1BP-related disorders. Last evaluated: 2024-09-10. Review status: criteria provided, single submitter. Criteria: ACMG Guidelines, 2015. Collection method: clinical testing. Allele origin: germline. Affected: yes. Observed: 5 variant alleles.

Broad Center for Mendelian Genomics, Broad Institute of MIT and Harvard
Classification: Pathogenic for Goldberg-Shprintzen syndrome. Last evaluated: 2024-03-13. Review status: criteria provided, single submitter. Criteria: ACMG Guidelines, 2015. Collection method: curation. Allele origin: germline. Inheritance: Autosomal recessive inheritance.
Comment: The heterozygous p.Ser200Ter variant in KIFBP was identified by our study, in the compound heterozygous state with a likely pathogenic variant (ClinVar ID: 300283), in two siblings with congenital fibrosis of the extraocular muscles, hearing impairment, developmental delays, cognitive impairment, scoliosis, Hirschsprung disease, and dysmorphic facial features, via a collaborative study between the Broad Institute's Center for Mendelian Genomics and the Engle lab. Familial genome analysis revealed that this variant was in trans with a likely pathogenic variant (ClinVar Variation ID: 300283). We believe this is a possible phenotype expansion for Goldberg-Shprintzen megacolon syndrome. The p.Ser200Ter variant in KIFBP has been previously reported in two siblings with Goldberg-Shprintzen megacolon syndrome and segregated with disease in this family (PMID: 23427148), but has been identified in 0.007% (9/128934) of European (non-Finnish) chromosomes by the Genome Aggregation Database (gnomAD; dbSNP ID: rs730882150). Although this variant has been seen in the general population in a heterozygous state, its frequency is low enough to be consistent with a recessive carrier frequency. These two affected siblings were homozygotes, which increases the likelihood that the p.Ser200Ter variant is pathogenic (PMID: 23427148). This variant has also been reported in ClinVar (Variation ID: 183145) and has been interpreted as pathogenic by Fulgent Genetics, Eurofins NTD LLC, and OMIM. RT-PCR analysis performed on affected tissue showed significantly reduced mRNA and protein expression versus wild-type (PMID: 23427148). This nonsense variant leads to a premature termination codon at position 200, which is predicted to lead to a truncated or absent protein. Loss of function of the KIFBP gene is an established disease mechanism in Goldberg-Shprintzen megacolon syndrome. In summary, this variant meets criteria to be classified as pathogenic for autosomal recessive Goldberg-Shprintzen megacolon syndrome. ACMG/AMP Criteria applied: PVS1, PS3_Moderate, PM2_Supporting, PM3_Supporting (Richards 2015).

Department of Pathology and Laboratory Medicine, Sinai Health System
Classification: Pathogenic for Goldberg-Shprintzen syndrome. Last evaluated: 2023-01-06. Review status: criteria provided, single submitter. Criteria: ACMG Guidelines, 2015. Collection method: research. Allele origin: germline.

GeneDx
Classification: Pathogenic. Last evaluated: 2022-11-02. Review status: criteria provided, single submitter. Criteria: GeneDx Variant Classification Process June 2021. Collection method: clinical testing. Allele origin: germline. Affected: yes.
Comment: Nonsense variant predicted to result in protein truncation or nonsense mediated decay in a gene for which loss of function is a known mechanism of disease (Drvillon et al., 2013); Not observed at significant frequency in large population cohorts (gnomAD); This variant is associated with the following publications: (PMID: 32939943, 28277559, 23427148)

Fulgent Genetics
Classification: Pathogenic for Goldberg-Shprintzen syndrome. Last evaluated: 2021-12-08. Review status: criteria provided, single submitter. Criteria: ACMG Guidelines, 2015. Collection method: clinical testing. Allele origin: unknown.

Eurofins Ntd Llc (ga)
Classification: Pathogenic. Last evaluated: 2015-10-28. Review status: criteria provided, single submitter. Criteria: EGL Classification Definitions 2015. Collection method: clinical testing. Allele origin: germline. Observed: 2 variant alleles, 2 heterozygotes.

Rady Children's Institute for Genomic Medicine, Rady Children's Hospital San Diego
Classification: Pathogenic for Goldberg-Shprintzen syndrome. Review status: criteria provided, single submitter. Criteria: ACMG Guidelines, 2015. Collection method: clinical testing. Allele origin: germline. Affected: yes.
Comment: This nonsense variant found in exon 3 of 7 is predicted to result in loss of normal protein function through either protein truncation or nonsense-mediated mRNA decay (NMD). This variant has been previously reported as a homozygous change in two siblings with Goldberg-Shprintzen syndrome (GOSHS) (PMID: 23427148). It is present in the heterozygous state in the gnomAD population database at a frequency of 0.003% (9/282480) and thus is presumed to be rare. Based on the available evidence, the c.599C>A (p.Ser200Ter) variant is classified as Pathogenic.

OMIM
Classification: Pathogenic for GOLDBERG-SHPRINTZEN SYNDROME. Last evaluated: 2013-06-15. Review status: no assertion criteria provided. Collection method: literature only. Allele origin: germline. Not counted in ClinVar's aggregate classification.

Literature cited by the submitters: PubMed 15883926 (cited by Labcorp Genetics (formerly Invitae), Labcorp); PubMed 23427148 (cited by 3 submitters); PubMed 39033378 (cited by Broad Center for Mendelian Genomics, Broad Institute of MIT and Harvard).